The following is an entry in ClinVar:

ClinVar aggregate classification (germline): Uncertain significance (1 of 4 stars; one submission).

Submission:

Labcorp Genetics (formerly Invitae), Labcorp
Classification: Uncertain significance. Last evaluated: 2022-07-01. Review status: criteria provided, single submitter. Criteria: Invitae Variant Classification Sherloc (09022015). Collection method: clinical testing. Allele origin: germline.
Comment: In summary, the available evidence is currently insufficient to determine the role of this variant in disease. Therefore, it has been classified as a Variant of Uncertain Significance. Experimental studies and prediction algorithms are not available or were not evaluated, and the functional significance of this variant is currently unknown. This variant has not been reported in the literature in individuals affected with SMAD2-related conditions. This variant is not present in population databases (gnomAD no frequency). This sequence change results in a frameshift in the SMAD2 gene (p.Pro459Leufs*21). While this is not anticipated to result in nonsense mediated decay, it is expected to disrupt the last 9 amino acid(s) of the SMAD2 protein and extend the protein by 11 additional amino acid residues.

NM_005901.6(SMAD2):c.1376del (p.Pro459fs)

Gene: SMAD2 (SMAD family member 2; minus strand). Cytogenetic location: 18q21.1.
Variant type: Deletion.
Coding change: c.1376del on transcript NM_005901.6 (MANE Select); coding-DNA position 1376, one base deleted (C; older notation c.1376delC).
Protein change: p.Pro459fs; shifts the reading frame from proline 459.
Molecular consequence: frameshift variant.
Genome position (GRCh38, 1-based): chr18:47,841,855, G deleted on the plus strand (C on the coding strand, the reverse complement: SMAD2 is on the minus strand); the first of 4 consecutive G bases (chr18:47,841,855-47,841,858); deleting any one gives the same sequence. VCF-style (leftmost placement, unchanged base first): chr18-47841854-AG-A. GRCh37 (hg19) VCF-style: chr18-45368225-AG-A.
Other names: c.1376del, p.Pro459fs (NM_001003652.4); c.1286del, p.Pro429fs (NM_001135937.3); short protein forms P429fs, P459fs.
Identifiers: ClinVar variation 2104099 (VCV002104099.4), dbSNP rs2511307389, ClinGen allele CA2580095765.